The following is an entry in ClinVar:

NM_014365.3(HSPB8):c.211C>T (p.Arg71Trp)

Gene: HSPB8 (heat shock protein family B (small) member 8; plus strand). Cytogenetic location: 12q24.23.
Variant type: single nucleotide variant.
Coding change: c.211C>T on transcript NM_014365.3 (MANE Select); coding-DNA position 211, C replaced by T.
Protein change: p.Arg71Trp; replaces arginine 71 with tryptophan.
Molecular consequence: missense variant.
Genome position (GRCh38, 1-based): chr12:119,179,523, C>T. VCF-style: chr12-119179523-C-T. GRCh37 (hg19) VCF-style: chr12-119617328-C-T.
Other names: short protein forms R71W.
Identifiers: ClinVar variation 968767 (VCV000968767.6), dbSNP rs977617023, ClinGen allele CA244334835.

ClinVar aggregate classification (germline): Uncertain significance (1 of 4 stars; one submission).

Conditions:
Charcot-Marie-Tooth disease axonal type 2L. Also called: Charcot-Marie-Tooth Neuropathy Type 2L; CHARCOT-MARIE-TOOTH DISEASE, AXONAL, AUTOSOMAL DOMINANT, TYPE 2L; CHARCOT-MARIE-TOOTH NEUROPATHY, AXONAL, TYPE 2L. Identifiers: Orphanet 99945, MedGen C1837552, MONDO:0012096, OMIM 608673.

Allele frequency attached by ClinVar (database versions not stated): gnomAD exomes below 0.00001 and 0.00001.

Submission:

Labcorp Genetics (formerly Invitae), Labcorp
Classification: Uncertain significance for Charcot-Marie-Tooth disease axonal type 2L. Last evaluated: 2021-08-28. Review status: criteria provided, single submitter. Criteria: Invitae Variant Classification Sherloc (09022015). Collection method: clinical testing. Allele origin: germline.
Comment: This sequence change replaces arginine with tryptophan at codon 71 of the HSPB8 protein (p.Arg71Trp). The arginine residue is moderately conserved and there is a moderate physicochemical difference between arginine and tryptophan. This variant is not present in population databases (ExAC no frequency). This variant has not been reported in the literature in individuals affected with HSPB8-related conditions. Algorithms developed to predict the effect of missense changes on protein structure and function are either unavailable or do not agree on the potential impact of this missense change (SIFT: "Deleterious"; PolyPhen-2: "Benign"; Align-GVGD: "Class C0"). In summary, the available evidence is currently insufficient to determine the role of this variant in disease. Therefore, it has been classified as a Variant of Uncertain Significance.